The following is an entry in ClinVar:

ClinVar aggregate classification (germline): Uncertain significance. Review status: criteria provided, multiple submitters, no conflicts (2 of 4 stars). 5 submissions from 5 submitters: Uncertain significance (5). Last evaluated 2025-11-05.

Conditions:
Hereditary nonpolyposis colorectal neoplasms. Identifiers: MedGen C0009405, MeSH D003123.
Hereditary cancer-predisposing syndrome. Also called: Tumor predisposition; Neoplastic Syndromes, Hereditary; Hereditary Cancer Syndrome; Hereditary neoplastic syndrome. Identifiers: Orphanet 140162, MedGen C0027672, MeSH D009386, MONDO:0015356.
Lynch syndrome. Identifiers: Orphanet 144, MedGen C4552100, MONDO:0005835. Disease mechanism: loss of function.

Submissions (5):

Labcorp Genetics (formerly Invitae), Labcorp
Classification: Uncertain significance for Hereditary nonpolyposis colorectal neoplasms. Last evaluated: 2025-11-05. Review status: criteria provided, single submitter. Criteria: Invitae Variant Classification Sherloc (09022015). Collection method: clinical testing. Allele origin: germline.
Comment: This sequence change replaces lysine, which is basic and polar, with glutamine, which is neutral and polar, at codon 885 of the MSH6 protein (p.Lys885Gln). This variant is not present in population databases (gnomAD no frequency). This variant has not been reported in the literature in individuals affected with MSH6-related conditions. ClinVar contains an entry for this variant (Variation ID: 631237). Invitae Evidence Modeling of protein sequence and biophysical properties (such as structural, functional, and spatial information, amino acid conservation, physicochemical variation, residue mobility, and thermodynamic stability) indicates that this missense variant is not expected to disrupt MSH6 protein function with a negative predictive value of 95%. In summary, the available evidence is currently insufficient to determine the role of this variant in disease. Therefore, it has been classified as a Variant of Uncertain Significance.

All of Us Research Program, National Institutes of Health
Classification: Uncertain significance for Lynch syndrome. Last evaluated: 2024-08-06. Review status: criteria provided, single submitter. Criteria: ACMG Guidelines, 2015. Collection method: clinical testing. Allele origin: germline. Inheritance: Autosomal dominant inheritance. Observed: 1 variant allele, 1 heterozygote.
Comment: This study involves interpretation of variants in research participants for the purpose of population health screening. Participant phenotype was not available at the time of variant classification. Additional details can be found in publication PMID: 35346344, PMCID: PMC8962531

Ambry Genetics
Classification: Uncertain significance for Hereditary cancer-predisposing syndrome. Last evaluated: 2023-11-14. Review status: criteria provided, single submitter. Criteria: Ambry Variant Classification Scheme 2023. Collection method: clinical testing. Allele origin: germline.
Comment: The p.K885Q variant (also known as c.2653A>C), located in coding exon 4 of the MSH6 gene, results from an A to C substitution at nucleotide position 2653. The lysine at codon 885 is replaced by glutamine, an amino acid with similar properties. This amino acid position is not well conserved in available vertebrate species. In addition, this alteration is predicted to be tolerated by in silico analysis. Since supporting evidence is limited at this time, the clinical significance of this alteration remains unclear.

Blueprint Genetics
Classification: Uncertain significance. Last evaluated: 2022-11-15. Review status: criteria provided, single submitter. Criteria: ACMG Guidelines, 2015. Collection method: clinical testing. Allele origin: germline.

Color Diagnostics, LLC DBA Color Health
Classification: Uncertain significance for Hereditary cancer-predisposing syndrome. Last evaluated: 2018-07-25. Review status: criteria provided, single submitter. Criteria: ACMG Guidelines, 2015. Collection method: clinical testing. Allele origin: germline.

NM_000179.3(MSH6):c.2653A>C (p.Lys885Gln)

Gene: MSH6 (mutS homolog 6; plus strand). Cytogenetic location: 2p16.3.
Variant type: single nucleotide variant.
Coding change: c.2653A>C on transcript NM_000179.3 (MANE Select); coding-DNA position 2653, A replaced by C.
Protein change: p.Lys885Gln; replaces lysine 885 with glutamine.
Molecular consequence: missense variant.
Genome position (GRCh38, 1-based): chr2:47,800,636, A>C. VCF-style: chr2-47800636-A-C. GRCh37 (hg19) VCF-style: chr2-48027775-A-C.
Other names: c.2263A>C, p.Lys755Gln (NM_001281492.2); c.1747A>C, p.Lys583Gln (NM_001281493.2, NM_001281494.2); short protein forms K885Q, K583Q, K755Q.
Identifiers: ClinVar variation 631237 (VCV000631237.15), dbSNP rs587782593, ClinGen allele CA346755168.